The following is an entry in ClinVar:

ClinVar aggregate classification (germline): Pathogenic (1 of 4 stars; one submission).

Submission:

GeneDx
Classification: Pathogenic. Last evaluated: 2023-11-25. Review status: criteria provided, single submitter. Criteria: GeneDx Variant Classification Process June 2021. Collection method: clinical testing. Allele origin: germline. Affected: yes.
Comment: Not observed at significant frequency in large population cohorts (gnomAD); Canonical splice site variant predicted to result in a null allele in a gene for which loss of function is a known mechanism of disease; Has not been previously published as pathogenic or benign to our knowledge

NM_006295.3(VARS1):c.871+1G>C

Genes: VARS1 (valyl-tRNA synthetase 1; minus strand), LOC126859651 (CDK7 strongly-dependent group 2 enhancer GRCh37_chr6:31759783-31760982; plus strand). Cytogenetic location: 6p21.33.
Variant type: single nucleotide variant.
Coding change: c.871+1G>C on transcript NM_006295.3 (MANE Select); the canonical splice donor site of the intron after coding-DNA position 871, G replaced by C.
Molecular consequence: splice donor variant.
Genome position (GRCh38, 1-based): chr6:31,792,216, C>G on the plus strand (G>C on the coding strand, the complement: VARS1 is on the minus strand). VCF-style: chr6-31792216-C-G. GRCh37 (hg19) VCF-style: chr6-31759993-C-G.
Identifiers: ClinVar variation 3340363 (VCV003340363.1).